The following is an entry in ClinVar:

NM_012210.4(TRIM32):c.1792G>A (p.Glu598Lys)

Genes: ASTN2 (astrotactin 2; minus strand), TRIM32 (tripartite motif containing 32; plus strand). Cytogenetic location: 9q33.1.
Variant type: single nucleotide variant.
Coding change: c.1792G>A on transcript NM_012210.4 (MANE Select); coding-DNA position 1792, G replaced by A.
Protein change: p.Glu598Lys; replaces glutamic acid 598 with lysine.
Molecular consequence: missense variant. On other transcripts: intron variant (3).
Genome position (GRCh38, 1-based): chr9:116,699,534, G>A. VCF-style: chr9-116699534-G-A. GRCh37 (hg19) VCF-style: chr9-119461813-G-A.
Other names: c.1792G>A, p.Glu598Lys (NM_001099679.2, NM_001379048.1, NM_001379049.1 and 1 more transcripts); c.2653+26237C>T (NM_014010.5); c.2794+26237C>T (NM_001365069.1); c.2806+26237C>T (NM_001365068.1); short protein forms E598K.
Identifiers: ClinVar variation 5037269 (VCV005037269.1).

ClinVar aggregate classification (germline): Uncertain significance (1 of 4 stars; one submission).

Submission:

GeneDx
Classification: Uncertain significance. Last evaluated: 2026-04-19. Review status: criteria provided, single submitter. Criteria: GeneDx Variant Classification Process June 2021. Collection method: clinical testing. Allele origin: germline.
Comment: Not observed at significant frequency in large population cohorts (gnomAD); In silico analysis suggests that this missense variant does not alter protein structure/function; Has not been previously published as pathogenic or benign to our knowledge